The following is an entry in ClinVar:

ClinVar aggregate classification (germline): Conflicting classifications of pathogenicity. Review status: criteria provided, conflicting classifications (1 of 4 stars). 2 submissions from 2 submitters: Uncertain significance (1); Likely benign (1). Last evaluated 2025-09-22.

Conditions:
Inborn genetic diseases. Identifiers: MedGen C0950123, MeSH D030342.

gnomAD v4.1: 5 of 1,613,240 alleles (0.00031%); highest among the groups gnomAD compares: Non-Finnish European, 0.00042%; no homozygotes.

Submissions (2):

Ambry Genetics
Classification: Likely benign for Inborn genetic diseases. Last evaluated: 2025-09-22. Review status: criteria provided, single submitter. Criteria: Ambry Variant Classification Scheme 2023. Collection method: clinical testing. Allele origin: germline.

Labcorp Genetics (formerly Invitae), Labcorp
Classification: Uncertain significance. Last evaluated: 2025-08-20. Review status: criteria provided, single submitter. Criteria: Invitae Variant Classification Sherloc (09022015). Collection method: clinical testing. Allele origin: germline.
Comment: This sequence change replaces serine, which is neutral and polar, with glycine, which is neutral and non-polar, at codon 829 of the TNNI3K protein (p.Ser829Gly). This variant is present in population databases (rs768616124, gnomAD 0.0009%). This variant has not been reported in the literature in individuals affected with TNNI3K-related conditions. ClinVar contains an entry for this variant (Variation ID: 3683827). An algorithm developed to predict the effect of missense changes on protein structure and function outputs the following: PolyPhen-2: "Benign". The glycine amino acid residue is found in multiple mammalian species, which suggests that this missense change does not adversely affect protein function. In summary, the available evidence is currently insufficient to determine the role of this variant in disease. Therefore, it has been classified as a Variant of Uncertain Significance.

NM_015978.3(TNNI3K):c.2485A>G (p.Ser829Gly)

Genes: FPGT-TNNI3K (FPGT-TNNI3K readthrough; plus strand), TNNI3K (TNNI3 interacting kinase; plus strand). Cytogenetic location: 1p31.1.
Variant type: single nucleotide variant.
Coding change: c.2485A>G on transcript NM_015978.3 (MANE Select); coding-DNA position 2485, A replaced by G.
Protein change: p.Ser829Gly; replaces serine 829 with glycine.
Molecular consequence: missense variant.
Genome position (GRCh38, 1-based): chr1:74,543,959, A>G. VCF-style: chr1-74543959-A-G. GRCh37 (hg19) VCF-style: chr1-75009643-A-G.
Other names: c.2485A>G (NM_015978.2); c.2788A>G, p.Ser930Gly (NM_001112808.3); short protein forms S930G, S829G.
Identifiers: ClinVar variation 3683827 (VCV003683827.3).
Genomic context (GRCh38, chr1:74,543,959, plus strand): 5'-GATGCAGGCTATGTATCCGATCCCATGAGCTCAATGCATTTTCATTCTTGCCGAAATAGT[A>G]GCAGCTTTGAGGACAGCAGCTGACAGCATTCGGCGTATACCTAAGGAGAGTTTTTTCCCC-3'
Protein context (NP_057062.1, residues 819-835): SMHFHSCRNS[Ser829Gly]SFEDSS